The following is an entry in ClinVar:

ClinVar aggregate classification (germline): Uncertain significance (1 of 4 stars; one submission).

Conditions:
PSEN1-related disorder. Also called: PSEN1-related condition.

Submission:

PreventionGenetics, part of Exact Sciences
Classification: Uncertain significance for PSEN1-related condition. Last evaluated: 2023-04-15. Review status: criteria provided, single submitter. Criteria: ACMG Guidelines, 2015. Collection method: clinical testing. Allele origin: germline.
Comment: The PSEN1 c.252G>T variant is predicted to result in the amino acid substitution p.Met84Ile. To our knowledge, this variant has not been reported in the literature or in a large population database, indicating this variant is rare. At this time, the clinical significance of this variant is uncertain due to the absence of conclusive functional and genetic evidence.

NM_000021.4(PSEN1):c.252G>T (p.Met84Ile)

Gene: PSEN1 (presenilin 1; plus strand). Cytogenetic location: 14q24.2.
Variant type: single nucleotide variant.
Coding change: c.252G>T on transcript NM_000021.4 (MANE Select); coding-DNA position 252, G replaced by T.
Protein change: p.Met84Ile; replaces methionine 84 with isoleucine.
Molecular consequence: missense variant.
Genome position (GRCh38, 1-based): chr14:73,170,961, G>T. VCF-style: chr14-73170961-G-T. GRCh37 (hg19) VCF-style: chr14-73637669-G-T.
Other names: c.240G>T, p.Met80Ile (NM_007318.3); short protein forms M80I, M84I.
Identifiers: ClinVar variation 2633056 (VCV002633056.1), dbSNP rs2503063102, ClinGen allele CA390303237.